The following is an entry in ClinVar:

ClinVar aggregate classification (germline): Conflicting classifications of pathogenicity. Review status: criteria provided, conflicting classifications (1 of 4 stars). 2 submissions from 2 submitters: Uncertain significance (1); Likely benign (1). Last evaluated 2024-01-22.

Conditions:
Inborn genetic diseases. Identifiers: MedGen C0950123, MeSH D030342.

Allele frequency attached by ClinVar (database versions not stated): gnomAD 0.00001 and 0.00003; TOPMed 0.00003; gnomAD exomes 0.00004 and 0.00008; ExAC 0.00007; ESP Exome Variant Server 0.00008; 1000 Genomes Project 30x 0.00031; 1000 Genomes Project 0.00040.
gnomAD v4.1: 112 of 1,614,048 alleles (0.0069%); highest among the groups gnomAD compares: Middle Eastern, 0.033%; no homozygotes.

Submissions (2):

Labcorp Genetics (formerly Invitae), Labcorp
Classification: Uncertain significance. Last evaluated: 2024-01-22. Review status: criteria provided, single submitter. Criteria: Invitae Variant Classification Sherloc (09022015). Collection method: clinical testing. Allele origin: germline.
Comment: This sequence change replaces alanine, which is neutral and non-polar, with valine, which is neutral and non-polar, at codon 479 of the TRAF3IP1 protein (p.Ala479Val). This variant is present in population databases (rs201854804, gnomAD 0.008%). This variant has not been reported in the literature in individuals affected with TRAF3IP1-related conditions. ClinVar contains an entry for this variant (Variation ID: 1400541). Advanced modeling of protein sequence and biophysical properties (such as structural, functional, and spatial information, amino acid conservation, physicochemical variation, residue mobility, and thermodynamic stability) performed at Invitae indicates that this missense variant is not expected to disrupt TRAF3IP1 protein function with a negative predictive value of 80%. In summary, the available evidence is currently insufficient to determine the role of this variant in disease. Therefore, it has been classified as a Variant of Uncertain Significance.

Ambry Genetics
Classification: Likely benign for Inborn genetic diseases. Last evaluated: 2023-10-05. Review status: criteria provided, single submitter. Criteria: Ambry Variant Classification Scheme 2023. Collection method: clinical testing. Allele origin: germline.

NM_015650.4(TRAF3IP1):c.1436C>T (p.Ala479Val)

Gene: TRAF3IP1 (TRAF3 interacting protein 1; plus strand). Cytogenetic location: 2q37.3.
Variant type: single nucleotide variant.
Coding change: c.1436C>T on transcript NM_015650.4 (MANE Select); coding-DNA position 1436, C replaced by T.
Protein change: p.Ala479Val; replaces alanine 479 with valine.
Molecular consequence: missense variant.
Genome position (GRCh38, 1-based): chr2:238,349,393, C>T. VCF-style: chr2-238349393-C-T. GRCh37 (hg19) VCF-style: chr2-239258034-C-T.
Other names: c.1238C>T, p.Ala413Val (NM_001139490.1); c.1436C>T (NM_015650.3); short protein forms A479V, A413V.
Identifiers: ClinVar variation 1400541 (VCV001400541.7), dbSNP rs201854804, ClinGen allele CA2198447.